The following is an entry in ClinVar:

ClinVar aggregate classification (germline): Uncertain significance (1 of 4 stars; one submission).

Allele frequency attached by ClinVar (database versions not stated): ExAC 0.00001; gnomAD 0.00001; TOPMed 0.00001.
gnomAD v4.1: 21 of 1,613,948 alleles (0.0013%); highest among the groups gnomAD compares: East Asian, 0.0067%; no homozygotes.

Submission:

Labcorp Genetics (formerly Invitae), Labcorp
Classification: Uncertain significance. Last evaluated: 2024-06-03. Review status: criteria provided, single submitter. Criteria: Invitae Variant Classification Sherloc (09022015). Collection method: clinical testing. Allele origin: germline.
Comment: This sequence change replaces arginine, which is basic and polar, with glutamine, which is neutral and polar, at codon 59 of the WNT4 protein (p.Arg59Gln). This variant is present in population databases (rs759336061, gnomAD 0.02%). This variant has not been reported in the literature in individuals affected with WNT4-related conditions. Advanced modeling of protein sequence and biophysical properties (such as structural, functional, and spatial information, amino acid conservation, physicochemical variation, residue mobility, and thermodynamic stability) performed at Invitae indicates that this missense variant is not expected to disrupt WNT4 protein function with a negative predictive value of 80%. In summary, the available evidence is currently insufficient to determine the role of this variant in disease. Therefore, it has been classified as a Variant of Uncertain Significance.

NM_030761.5(WNT4):c.176G>A (p.Arg59Gln)

Gene: WNT4 (Wnt family member 4; minus strand). Cytogenetic location: 1p36.12.
Variant type: single nucleotide variant.
Coding change: c.176G>A on transcript NM_030761.5 (MANE Select); coding-DNA position 176, G replaced by A.
Protein change: p.Arg59Gln; replaces arginine 59 with glutamine.
Molecular consequence: missense variant.
Genome position (GRCh38, 1-based): chr1:22,129,753, C>T on the plus strand (G>A on the coding strand, the complement: WNT4 is on the minus strand). VCF-style: chr1-22129753-C-T. GRCh37 (hg19) VCF-style: chr1-22456246-C-T.
Other names: short protein forms R59Q.
Identifiers: ClinVar variation 2739145 (VCV002739145.3), dbSNP rs759336061, ClinGen allele CA675501.